The following is an entry in ClinVar:

ClinVar aggregate classification (germline): Uncertain significance. Review status: criteria provided, multiple submitters, no conflicts (2 of 4 stars). 2 submissions from 2 submitters: Uncertain significance (2). Last evaluated 2022-12-16.

Conditions:
Deficiency of butyryl-CoA dehydrogenase (ACADSD). Also called: SCAD DEFICIENCY, MILD; ACYL-CoA DEHYDROGENASE, SHORT-CHAIN, DEFICIENCY OF; SCAD Deficiency; ACADS DEFICIENCY; Short-Chain Acyl-CoA Dehydrogenase Deficiency; SCADH DEFICIENCY. Identifiers: Orphanet 26792, MedGen C0342783, MONDO:0008722, OMIM 201470. Disease mechanism: May be benign.

Submissions (2):

Blueprint Genetics
Classification: Uncertain significance. Last evaluated: 2022-12-16. Review status: criteria provided, single submitter. Criteria: ACMG Guidelines, 2015. Collection method: clinical testing. Allele origin: germline.

Labcorp Genetics (formerly Invitae), Labcorp
Classification: Uncertain significance for Deficiency of butyryl-CoA dehydrogenase. Last evaluated: 2022-01-26. Review status: criteria provided, single submitter. Criteria: Invitae Variant Classification Sherloc (09022015). Collection method: clinical testing. Allele origin: germline.
Comment: In summary, the available evidence is currently insufficient to determine the role of this variant in disease. Therefore, it has been classified as a Variant of Uncertain Significance. Experimental studies and prediction algorithms are not available or were not evaluated, and the functional significance of this variant is currently unknown. This variant has not been reported in the literature in individuals affected with ACADS-related conditions. This variant is present in population databases (no rsID available, gnomAD 0.007%). This variant, c.151_153del, results in the deletion of 1 amino acid(s) of the ACADS protein (p.Lys51del), but otherwise preserves the integrity of the reading frame.

NM_000017.4(ACADS):c.151_153del (p.Lys51del)

Gene: ACADS (acyl-CoA dehydrogenase short chain; plus strand). Cytogenetic location: 12q24.31.
Variant type: Deletion.
Coding change: c.151_153del on transcript NM_000017.4 (MANE Select); coding-DNA positions 151 to 153, 3 bases deleted (AAG; older notation c.151_153delAAG).
Protein change: p.Lys51del; deletes lysine 51.
Molecular consequence: inframe deletion.
Genome position (GRCh38, 1-based): chr12:120,727,130-120,727,132, AAG deleted; deleting any 3 consecutive bases within chr12:120,727,128-120,727,132 gives the same sequence; the c. name uses the placement nearest the transcript's 3' end. VCF-style (leftmost placement, unchanged base first): chr12-120727127-GAGA-G. GRCh37 (hg19) VCF-style: chr12-121164930-GAGA-G.
Other names: c.151_153del, p.Lys51del (NM_001302554.2); short protein forms K51del.
Identifiers: ClinVar variation 2195726 (VCV002195726.3), dbSNP rs1194074272, ClinGen allele CA608059918.
Genomic context (GRCh38, chr12:120,727,127, plus strand): 5'-CAGTCTGTGGAACTGCCCGAGACACACCAGATGTTGCTCCAGACATGCCGGGACTTTGCC[GAGA>G]AGGAGTTGTTTCCCATTGCAGCCCAGGTGGATAAGGAACATCTCTTCCCAGCGGCTCAGG-3'